The following is an entry in ClinVar:

ClinVar aggregate classification (germline): Uncertain significance (1 of 4 stars; one submission).

gnomAD v4.1: 6 of 1,614,084 alleles (0.00037%); highest among the groups gnomAD compares: Non-Finnish European, 0.00051%; no homozygotes.

Submission:

GeneDx
Classification: Uncertain significance. Last evaluated: 2025-04-18. Review status: criteria provided, single submitter. Criteria: GeneDx Variant Classification Process June 2021. Collection method: clinical testing. Allele origin: germline. Affected: yes.
Comment: Not observed at significant frequency in large population cohorts (gnomAD); Has not been previously published as pathogenic or benign to our knowledge; In silico analysis is inconclusive as to whether the variant alters gene splicing. In the absence of RNA/functional studies, the actual effect of this sequence change is unknown.

NM_012301.4(MAGI2):c.3203+3A>G

Gene: MAGI2 (membrane associated guanylate kinase, WW and PDZ domain containing 2; minus strand). Cytogenetic location: 7q21.11.
Variant type: single nucleotide variant.
Coding change: c.3203+3A>G on transcript NM_012301.4 (MANE Select); 3 bases into the intron after coding-DNA position 3203, A replaced by G.
Molecular consequence: intron variant.
Genome position (GRCh38, 1-based): chr7:78,132,886, T>C on the plus strand (A>G on the coding strand, the complement: MAGI2 is on the minus strand). VCF-style: chr7-78132886-T-C. GRCh37 (hg19) VCF-style: chr7-77762203-T-C.
Other names: c.3161+3A>G (NM_001301128.2).
Identifiers: ClinVar variation 4282386 (VCV004282386.1).